The following is an entry in ClinVar:

NM_001940.4(ATN1):c.1467_1468del (p.Gln490fs)

Genes: ATN1 (atrophin 1; plus strand), LOC109461484 (atrophin 1 repeat instability region; plus strand). Cytogenetic location: 12p13.31.
Variant type: Deletion.
Coding change: c.1467_1468del on transcript NM_001940.4 (MANE Select); coding-DNA positions 1467 to 1468, 2 bases deleted (GC; older notation c.1467_1468delGC).
Protein change: p.Gln490fs; shifts the reading frame from glutamine 490.
Molecular consequence: frameshift variant.
Genome position (GRCh38, 1-based): chr12:6,936,734-6,936,735, GC deleted. VCF-style (leftmost placement, unchanged base first): chr12-6936733-AGC-A. GRCh37 (hg19) VCF-style: chr12-7045896-AGC-A.
Other names: c.1467_1468del, p.Gln490fs (NM_001007026.2, NM_001424176.1, NM_001424177.1 and 1 more transcripts); c.1464_1465del, p.Gln489fs (NM_001424179.1, NM_001424180.1, NM_001424182.1); short protein forms Q489fs, Q490fs.
Identifiers: ClinVar variation 3764532 (VCV003764532.3).

ClinVar aggregate classification (germline): Uncertain significance (1 of 4 stars; one submission).

Conditions:
Congenital hypotonia, epilepsy, developmental delay, and digital anomalies (CHEDDA). Also called: ATN1-Related Neurodevelopmental Disorder. Identifiers: MedGen C5193125, MONDO:0032781, OMIM 618494.
Dentatorubral-pallidoluysian atrophy (DRPLA). Also called: Naito Oyanagi disease; ATAXIA, CHOREA, SEIZURES, AND DEMENTIA; HAW RIVER SYNDROME; MYOCLONIC EPILEPSY WITH CHOREOATHETOSIS. Identifiers: Orphanet 101, MedGen C0751781, MONDO:0007435, OMIM 125370.

Submission:

Department of Pathology and Laboratory Medicine, Sinai Health System
Classification: Uncertain significance for Dentatorubral-pallidoluysian atrophy; Congenital hypotonia, epilepsy, developmental delay, and digital anomalies. Last evaluated: 2023-06-19. Review status: criteria provided, single submitter. Criteria: ACMG Guidelines, 2015. Collection method: research. Allele origin: germline.